The following is an entry in ClinVar:

NM_004329.3(BMPR1A):c.676-4_676-1dup

Gene: BMPR1A (bone morphogenetic protein receptor type 1A; plus strand). Cytogenetic location: 10q23.2.
Variant type: Duplication.
Coding change: c.676-4_676-1dup on transcript NM_004329.3 (MANE Select); 4 bases into the intron before coding-DNA position 676 through the canonical splice acceptor site of the intron before coding-DNA position 676, 4 bases duplicated (AAAG; older notation c.676-4_676-1dupAAAG).
Molecular consequence: splice acceptor variant. On other transcripts: intron variant (1).
Genome position (GRCh38, 1-based): chr10:86,917,130-86,917,133, AAAG duplicated. VCF-style (leftmost placement, unchanged base first): chr10-86917129-T-TAAAG. GRCh37 (hg19) VCF-style: chr10-88676886-T-TAAAG.
Other names: c.676-4_676-1dup (NM_001406562.1, NM_001406568.1, NM_001406567.1 and 19 more transcripts); c.592-4_592-1dup (NM_001406584.1, NM_001406588.1, NM_001406587.1 and 2 more transcripts); c.724-4_724-1dup (NM_001406560.1); c.751-4_751-1dup (NM_001406559.1); c.676-10_676-7dup (NM_001406583.1); c.334-4_334-1dup (NM_001406589.1).
Identifiers: ClinVar variation 3223962 (VCV003223962.2), dbSNP rs2539602354, ClinGen allele CA2825001720.
Genomic context (GRCh38, chr10:86,917,129, plus strand): 5'-CCCTTTGCCAGTCTTAATGGGTTTCTTTCATCAAGAGCTCAAACCTTTTACTTTTTTCTA[T>TAAAG]AAAGGTTCAGCGAACTATTGCCAAACAGATTCAGATGGTCCGGCAAGTTGGTAAAGGCCG-3'

ClinVar aggregate classification (germline): Likely pathogenic (1 of 4 stars; one submission).

Conditions:
Hereditary cancer-predisposing syndrome. Also called: Tumor predisposition; Hereditary neoplastic syndrome; Hereditary Cancer Syndrome; Neoplastic Syndromes, Hereditary. Identifiers: Orphanet 140162, MedGen C0027672, MeSH D009386, MONDO:0015356.

Submission:

Ambry Genetics
Classification: Likely pathogenic for Hereditary cancer-predisposing syndrome. Last evaluated: 2024-03-29. Review status: criteria provided, single submitter. Criteria: Ambry Variant Classification Scheme 2023. Collection method: clinical testing. Allele origin: germline.
Comment: The c.676-4_676-1dupAAAG intronic variant, results from a duplication of 4 nucleotides at nucleotide position c.676-4 to c.676-1 in intron 6 of the BMPR1A gene. These nucleotide positions range from not well conserved to highly conserved in available vertebrate species. In silico splice site analysis predicts that this alteration will weaken the native splice acceptor site and will result in the creation or strengthening of a novel splice acceptor site. RNA studies have demonstrated that this alteration results in abnormal splicing in the set of samples tested (Ambry internal data). Based on the majority of available evidence to date, this variant is likely to be pathogenic.